The following is an entry in ClinVar:

ClinVar aggregate classification (germline): Pathogenic/Likely pathogenic. Review status: criteria provided, multiple submitters, no conflicts (2 of 4 stars). 3 submissions from 3 submitters: Pathogenic (1); Likely pathogenic (2). Last evaluated 2025-10-01.

Conditions:
Familial adenomatous polyposis 1 (FAP1). Also called: FAMILIAL ADENOMATOUS POLYPOSIS 1, ATTENUATED; POLYPOSIS, ADENOMATOUS INTESTINAL. Identifiers: MedGen C2713442, MONDO:0021056, OMIM 175100. Disease mechanism: loss of function.
Hereditary cancer-predisposing syndrome. Also called: Hereditary neoplastic syndrome; Neoplastic Syndromes, Hereditary; Tumor predisposition; Hereditary Cancer Syndrome. Identifiers: Orphanet 140162, MedGen C0027672, MeSH D009386, MONDO:0015356.

Submissions (3):

Ambry Genetics
Classification: Likely pathogenic for Hereditary cancer-predisposing syndrome. Last evaluated: 2025-10-01. Review status: criteria provided, single submitter. Criteria: Ambry Variant Classification Scheme 2023. Collection method: clinical testing. Allele origin: germline.
Comment: The c.5569delT variant, located in coding exon 15 of the APC gene, results from a deletion of one nucleotide at nucleotide position 5569, causing a translational frameshift with a predicted alternate stop codon (p.S1857Hfs*6). This alteration occurs at the 3' terminus of the gene, is not expected to trigger nonsense-mediated mRNA decay, and impacts the last 35% of the protein. However, premature stop codons are typically deleterious in nature and a significant portion of the protein is affected and the impacted region is critical for protein function (Ambry internal data). This variant was reported in individual(s) with features consistent with APC-related familial adenomatous polyposis (Ambry internal data). This variant is considered to be rare based on population cohorts in the Genome Aggregation Database (gnomAD). Based on the majority of available evidence to date, this variant is likely to be pathogenic.

Labcorp Genetics (formerly Invitae), Labcorp
Classification: Pathogenic for Familial adenomatous polyposis 1. Last evaluated: 2024-06-17. Review status: criteria provided, single submitter. Criteria: Invitae Variant Classification Sherloc (09022015). Collection method: clinical testing. Allele origin: germline.
Comment: This sequence change creates a premature translational stop signal (p.Ser1857Hisfs*6) in the APC gene. While this is not anticipated to result in nonsense mediated decay, it is expected to disrupt the last 987 amino acid(s) of the APC protein. This variant is not present in population databases (gnomAD no frequency). This variant has not been reported in the literature in individuals affected with APC-related conditions. ClinVar contains an entry for this variant (Variation ID: 422291). A different truncation (p.Tyr2645Lysfs*14) that lies downstream of this variant has been determined to be pathogenic (PMID: 9824584, 1316610, 27081525, 8381579, 22135120, Invitae). This suggests that deletion of this region of the APC protein is causative of disease. This variant is expected to disrupt the EB1 and HDLG binding sites, which mediate interactions with the cytoskeleton (PMID: 15311282, 17293347). While functional studies have not been performed to directly test the effect on APC protein function, this suggests that disruption of the C-terminal portion of the protein is functionally important. For these reasons, this variant has been classified as Pathogenic.

GeneDx
Classification: Likely pathogenic. Last evaluated: 2016-09-20. Review status: criteria provided, single submitter. Criteria: GeneDx Variant Classification (06012015). Collection method: clinical testing. Allele origin: germline. Affected: yes.
Comment: This deletion of one nucleotide in APC is denoted c.5569delT at the cDNA level and p.Ser1857HisfsX6 (S1857HfsX6) at the protein level. The normal sequence, with the base that is deleted in braces, is GTTTT[T]CACG. The deletion causes a frameshift which changes a Serine to a Histidine at codon 1857, and creates a premature stop codon at position 6 of the new reading frame. Even though this frameshift occurs in the last exon of the gene, and nonsense-mediated decay is not expected to occur, it is significant since the last 987 amino acids are replaced with 5 incorrect ones. Although this variant has not, to our knowledge, been reported in the literature, it is predicted to cause loss of normal protein function through protein truncation. Based on the currently available information, we consider this deletion to be a likely pathogenic variant.

Literature cited by the submitters: PubMed 9824584 (cited by Labcorp Genetics (formerly Invitae), Labcorp); PubMed 1316610 (cited by Labcorp Genetics (formerly Invitae), Labcorp); PubMed 27081525 (cited by Labcorp Genetics (formerly Invitae), Labcorp); PubMed 8381579 (cited by Labcorp Genetics (formerly Invitae), Labcorp); PubMed 22135120 (cited by Labcorp Genetics (formerly Invitae), Labcorp); PubMed 15311282 (cited by Labcorp Genetics (formerly Invitae), Labcorp); PubMed 17293347 (cited by Labcorp Genetics (formerly Invitae), Labcorp).

NM_000038.6(APC):c.5569del (p.Ser1857fs)

Gene: APC (APC regulator of Wnt signaling pathway; plus strand). Cytogenetic location: 5q22.2.
Variant type: Deletion.
Coding change: c.5569del on transcript NM_000038.6 (MANE Select); coding-DNA position 5569, one base deleted (T; older notation c.5569delT).
Protein change: p.Ser1857fs; shifts the reading frame from serine 1857.
Molecular consequence: frameshift variant.
Genome position (GRCh38, 1-based): chr5:112,841,163, T deleted; the last of 5 consecutive T bases (chr5:112,841,159-112,841,163); deleting any one gives the same sequence. VCF-style (leftmost placement, unchanged base first): chr5-112841158-GT-G. GRCh37 (hg19) VCF-style: chr5-112176855-GT-G.
Other names: c.5569del, p.Ser1857fs (NM_001127510.3, NM_001354895.2); c.5515del, p.Ser1839fs (NM_001127511.3); c.5623del, p.Ser1875fs (NM_001354896.2); c.5599del, p.Ser1867fs (NM_001354897.2); c.5494del, p.Ser1832fs (NM_001354898.2); c.5485del, p.Ser1829fs (NM_001354899.2); c.5446del, p.Ser1816fs (NM_001354900.2); c.5392del, p.Ser1798fs (NM_001354901.2); and 5 more; short protein forms S1574fs, S1756fs, S1839fs, S1697fs, S1766fs, S1816fs, S1829fs, S1832fs.
Identifiers: ClinVar variation 422291 (VCV000422291.6), dbSNP rs1064795688, ClinGen allele CA16618091.